The following is an entry in ClinVar:

ClinVar aggregate classification (germline): Pathogenic (1 of 4 stars; one submission).

Conditions:
Polycystic kidney disease 4 (PKD4). Also called: POLYCYSTIC KIDNEY AND HEPATIC DISEASE 1; POLYCYSTIC KIDNEY DISEASE, INFANTILE, TYPE I; POLYCYSTIC KIDNEY DISEASE 4 WITH OR WITHOUT POLYCYSTIC LIVER DISEASE; PKD3; Autosomal Recessive Polycystic Kidney Disease – PKHD1. Identifiers: MedGen C4540575, MONDO:0033004, OMIM 263200.

Submission:

Myriad Genetics, Inc.
Classification: Pathogenic for Polycystic kidney disease 4. Last evaluated: 2023-09-10. Review status: criteria provided, single submitter. Criteria: Myriad Autosomal Dominant, Autosomal Recessive and X-Linked Classification Criteria (2023). Collection method: clinical testing. Allele origin: unknown.
Comment: NM_138694.3(PKHD1):c.805_806ins7(G269Efs*19) is expected to be pathogenic in the context of autosomal recessive polycystic kidney disease, PKHD1-related. This variant is predicted to lead to an abnormal or absent protein product due to the creation of a premature termination codon in PKHD1, a gene where loss-of-function variants are known to be pathogenic. Please note: this variant was assessed in the context of healthy population screening.

NM_138694.4(PKHD1):c.805_806insAGCAGGA (p.Gly269fs)

Gene: PKHD1 (PKHD1 ciliary IPT domain containing fibrocystin/polyductin; minus strand). Cytogenetic location: 6p12.2.
Variant type: Insertion.
Coding change: c.805_806insAGCAGGA on transcript NM_138694.4 (MANE Select); coding-DNA positions 805 to 806, AGCAGGA inserted.
Protein change: p.Gly269fs; shifts the reading frame from glycine 269.
Molecular consequence: frameshift variant.
Genome position: GRCh38 VCF-style: chr6-52066050-C-CTCCTGCT. GRCh37 (hg19) VCF-style: chr6-51930848-C-CTCCTGCT.
Other names: c.805_806insAGCAGGA, p.Gly269fs (NM_170724.3); short protein forms G269fs.
Identifiers: ClinVar variation 5011626 (VCV005011626.1).
Genomic context (GRCh38, chr6:52,066,050, plus strand): 5'-TGGGCAGAATTGTCAAAAAAGTCTCCTGTAATTGTGATGTTTGTTCTTCCCCCAAGGCTC[C>CTCCTGCT]CAGTTTCTGGAAACACAGATAATATTTCTGCAAGAGTTAAAAAAAAAAAAAAGTAAGCTT-3'